The following is an entry in ClinVar:

NM_001277115.2(DNAH11):c.6763T>C (p.Trp2255Arg)

Gene: DNAH11 (dynein axonemal heavy chain 11; plus strand). Cytogenetic location: 7p15.3.
Variant type: single nucleotide variant.
Coding change: c.6763T>C on transcript NM_001277115.2 (MANE Select); coding-DNA position 6763, T replaced by C.
Protein change: p.Trp2255Arg; replaces tryptophan 2255 with arginine.
Molecular consequence: missense variant.
Genome position (GRCh38, 1-based): chr7:21,710,632, T>C. VCF-style: chr7-21710632-T-C. GRCh37 (hg19) VCF-style: chr7-21750250-T-C.
Other names: c.6784T>C, p.Trp2262Arg (NM_003777.3); short protein forms W2262R, W2255R.
Identifiers: ClinVar variation 1978239 (VCV001978239.4), dbSNP rs2534986391, ClinGen allele CA366940424.

ClinVar aggregate classification (germline): Likely pathogenic (1 of 4 stars; one submission).

Conditions:
Primary ciliary dyskinesia. Also called: Ciliary dyskinesia. Identifiers: Orphanet 244, MedGen C0008780, MONDO:0016575, HP:0012265.

Allele frequency attached by ClinVar (database versions not stated): gnomAD exomes 0.00001.
gnomAD v4.1: 12 of 1,613,350 alleles (0.00074%); highest among the groups gnomAD compares: Non-Finnish European, 0.001%; no homozygotes.

Submission:

Labcorp Genetics (formerly Invitae), Labcorp
Classification: Likely pathogenic for Primary ciliary dyskinesia. Last evaluated: 2026-01-17. Review status: criteria provided, single submitter. Criteria: Invitae Variant Classification Sherloc (09022015). Collection method: clinical testing. Allele origin: germline.
Comment: This sequence change replaces tryptophan, which is neutral and slightly polar, with arginine, which is basic and polar, at codon 2255 of the DNAH11 protein (p.Trp2255Arg). This variant is not present in population databases (gnomAD no frequency). This missense change has been observed in individual(s) with autosomal recessive primary ciliary dyskinesia (internal data). ClinVar contains an entry for this variant (Variation ID: 1978239). Invitae Evidence Modeling of protein sequence and biophysical properties (such as structural, functional, and spatial information, amino acid conservation, physicochemical variation, residue mobility, and thermodynamic stability) indicates that this missense variant is expected to disrupt DNAH11 protein function with a positive predictive value of 80%. This variant disrupts the p.Trp2255 amino acid residue in DNAH11. Other variant(s) that disrupt this residue have been determined to be pathogenic (internal data). This suggests that this residue is clinically significant, and that variants that disrupt this residue are likely to be disease-causing. In summary, the currently available evidence indicates that the variant is pathogenic, but additional data are needed to prove that conclusively. Therefore, this variant has been classified as Likely Pathogenic.